The following is an entry in ClinVar:

NM_004006.3(DMD):c.7392del (p.Ser2464_Leu2465insTer)

Gene: DMD (dystrophin; minus strand). Cytogenetic location: Xp21.1.
Variant type: Deletion.
Coding change: c.7392del on transcript NM_004006.3 (MANE Select); coding-DNA position 7392, one base deleted (C; older notation c.7392delC).
Protein change: p.Ser2464_Leu2465insTer.
Molecular consequence: frameshift variant.
Genome position (GRCh38, 1-based): chrX:31,774,110, G deleted on the plus strand (C on the coding strand, the reverse complement: DMD is on the minus strand); the first of 2 consecutive G bases (chrX:31,774,110-31,774,111); deleting either gives the same sequence. VCF-style (leftmost placement, unchanged base first): chrX-31774109-AG-A. GRCh37 (hg19) VCF-style: chrX-31792226-AG-A.
Other names: c.7368del, p.Ser2456_Leu2457insTer (NM_000109.4); c.7380del, p.Ser2460_Leu2461insTer (NM_004009.3); c.7023del, p.Ser2341_Leu2342insTer (NM_004010.3); c.3369del, p.Ser1123_Leu1124insTer (NM_004011.4); c.3360del, p.Ser1120_Leu1121insTer (NM_004012.4); c.12del, p.Ser4_Leu5insTer (NM_004013.3, NM_004020.4, NM_004021.3 and 2 more transcripts).
Identifiers: ClinVar variation 4279089 (VCV004279089.1).
Genomic context (GRCh38, chrX:31,774,109, plus strand): 5'-AGTCGGTAAGTTCTGTCCAAGCCCGGTTGAAATCTGCCAGAGCAGGTACCTCCAACATCA[AG>A]GAAGATGGCATTTCTAGTTTGGAGATGGCAGTTTCCTTAGTAACCACAGGTTGTGTCACC-3'

ClinVar aggregate classification (germline): Likely pathogenic (1 of 4 stars; one submission).

Conditions:
Duchenne muscular dystrophy (DMD). Also called: MUSCULAR DYSTROPHY, PSEUDOHYPERTROPHIC PROGRESSIVE, DUCHENNE TYPE; Duchenne Muscular Dystrophy (DMD). Identifiers: Orphanet 98896, MedGen C0013264, MONDO:0010679, OMIM 310200.

Submission:

Institute of Medical Genetics and Genomics, Sir Ganga Ram Hospital
Classification: Likely pathogenic for Duchenne muscular dystrophy. Review status: criteria provided, single submitter. Criteria: ACMG Guidelines, 2015. Collection method: clinical testing. Allele origin: germline. Inheritance: X-linked inheritance. Affected: yes.
Comment: PVS1 (very strong (Null variant (frameshift indel), loss of function is a known mechanism of disease: 1866 pathogenic null variants were reported in ClinVar for this gene across 77 different exons, of which 23 variants in this exon (51), predicted to undergo NMD, not located in last exon or last 50bp of preliminary exon. Coding exon number 51 out of 79 coding exons)), PM2 (moderate)]”